The following is an entry in ClinVar:

ClinVar aggregate classification (germline): Uncertain significance (1 of 4 stars; one submission).

Conditions:
Cardiovascular phenotype. Identifiers: MedGen CN230736.
Hereditary cancer-predisposing syndrome. Also called: Neoplastic Syndromes, Hereditary; Tumor predisposition; Hereditary Cancer Syndrome; Hereditary neoplastic syndrome. Identifiers: Orphanet 140162, MedGen C0027672, MeSH D009386, MONDO:0015356.

Submission:

Ambry Genetics
Classification: Uncertain significance for Cardiovascular phenotype; Hereditary cancer-predisposing syndrome. Last evaluated: 2025-10-07. Review status: criteria provided, single submitter. Criteria: Ambry Variant Classification Scheme 2023. Collection method: clinical testing. Allele origin: germline.
Comment: The p.I1688L variant (also known as c.5062A>C), located in coding exon 36 of the NF1 gene, results from an A to C substitution at nucleotide position 5062. The isoleucine at codon 1688 is replaced by leucine, an amino acid with highly similar properties. This amino acid position is conserved. In addition, the in silico prediction for this alteration is inconclusive. Based on the available evidence, the clinical significance of this variant remains unclear.

NM_001042492.3(NF1):c.5125A>C (p.Ile1709Leu)

Gene: NF1 (neurofibromin 1; plus strand). Cytogenetic location: 17q11.2.
Variant type: single nucleotide variant.
Coding change: c.5125A>C on transcript NM_001042492.3 (MANE Select); coding-DNA position 5125, A replaced by C.
Protein change: p.Ile1709Leu; replaces isoleucine 1709 with leucine.
Molecular consequence: missense variant.
Genome position (GRCh38, 1-based): chr17:31,326,109, A>C. VCF-style: chr17-31326109-A-C. GRCh37 (hg19) VCF-style: chr17-29653127-A-C.
Other names: c.5062A>C, p.Ile1688Leu (NM_000267.4); short protein forms I1688L, I1709L.
Identifiers: ClinVar variation 4615687 (VCV004615687.1).